The following is an entry in ClinVar:

NM_000186.4(CFH):c.2936C>G (p.Ser979Cys)

Gene: CFH (complement factor H; plus strand). Cytogenetic location: 1q31.3.
Variant type: single nucleotide variant.
Coding change: c.2936C>G on transcript NM_000186.4 (MANE Select); coding-DNA position 2936, C replaced by G.
Protein change: p.Ser979Cys; replaces serine 979 with cysteine.
Molecular consequence: missense variant.
Genome position (GRCh38, 1-based): chr1:196,740,772, C>G. VCF-style: chr1-196740772-C-G. GRCh37 (hg19) VCF-style: chr1-196709902-C-G.
Other names: p.Ser979Cys; short protein forms S979C.
Identifiers: ClinVar variation 2355797 (VCV002355797.6), dbSNP rs1269879293, ClinGen allele CA343981263.
Genomic context (GRCh38, chr1:196,740,772, plus strand): 5'-GTTTTGAAGGTTTTGGAATTGATGGGCCTGCAATTGCAAAATGCTTAGGAGAAAAATGGT[C>G]TCACCCTCCATCATGCATAAGTATGGTGCATTGAATTTTATTATATGTATGATAAATATT-3'
Protein context (NP_000177.2, residues 969-989): AIAKCLGEKW[Ser979Cys]HPPSCIKTDC

ClinVar aggregate classification (germline): Uncertain significance. Review status: criteria provided, multiple submitters, no conflicts (2 of 4 stars). 3 submissions from 3 submitters: Uncertain significance (3). Last evaluated 2024-06-28.

Conditions:
Inborn genetic diseases. Identifiers: MedGen C0950123, MeSH D030342.

Allele frequency attached by ClinVar (database versions not stated): gnomAD exomes below 0.00001; TOPMed below 0.00001; gnomAD 0.00001.
gnomAD v4.1: 2 of 1,613,776 alleles (0.00012%); highest among the groups gnomAD compares: Admixed American, 0.0033%; no homozygotes.

Submissions (3):

Labcorp Genetics (formerly Invitae), Labcorp
Classification: Uncertain significance. Last evaluated: 2024-06-28. Review status: criteria provided, single submitter. Criteria: Invitae Variant Classification Sherloc (09022015). Collection method: clinical testing. Allele origin: germline.
Comment: This sequence change replaces serine, which is neutral and polar, with cysteine, which is neutral and slightly polar, at codon 979 of the CFH protein (p.Ser979Cys). This variant is not present in population databases (gnomAD no frequency). This variant has not been reported in the literature in individuals affected with CFH-related conditions. ClinVar contains an entry for this variant (Variation ID: 2355797). An algorithm developed to predict the effect of missense changes on protein structure and function (PolyPhen-2) suggests that this variant is likely to be disruptive. In summary, the available evidence is currently insufficient to determine the role of this variant in disease. Therefore, it has been classified as a Variant of Uncertain Significance.

Mayo Clinic Laboratories, Mayo Clinic
Classification: Uncertain significance. Last evaluated: 2023-12-05. Review status: criteria provided, single submitter. Criteria: ACMG Guidelines, 2015. Collection method: clinical testing. Allele origin: germline. Observed: 1 variant allele.
Comment: PM2

Ambry Genetics
Classification: Uncertain significance for Inborn genetic diseases. Last evaluated: 2021-08-17. Review status: criteria provided, single submitter. Criteria: Ambry Variant Classification Scheme 2023. Collection method: clinical testing. Allele origin: germline.